The following is an entry in ClinVar:

ClinVar aggregate classification (germline): Likely benign. Review status: criteria provided, single submitter (1 of 4 stars). 2 submissions from 2 submitters: Likely benign (1). 1 of the submissions does not count toward it. Last evaluated 2025-07-16.

Conditions:
DCHS1-related disorder. Also called: DCHS1-related condition.

Allele frequency attached by ClinVar (database versions not stated): gnomAD exomes 0.00001 and 0.00003; ExAC 0.00005; ESP Exome Variant Server 0.00015; gnomAD 0.00023 and 0.00027; TOPMed 0.00023.
gnomAD v4.1: 55 of 1,610,720 alleles (0.0034%); highest among the groups gnomAD compares: African/African-American, 0.071%; no homozygotes.

Submissions (2):

Labcorp Genetics (formerly Invitae), Labcorp
Classification: Likely benign. Last evaluated: 2025-07-16. Review status: criteria provided, single submitter. Criteria: Invitae Variant Classification Sherloc (09022015). Collection method: clinical testing. Allele origin: germline.

PreventionGenetics, part of Exact Sciences
Classification: Likely benign for DCHS1-related condition. Last evaluated: 2020-02-26. Review status: no assertion criteria provided. Collection method: clinical testing. Allele origin: germline. Not counted in ClinVar's aggregate classification.
Comment: This variant is classified as likely benign based on ACMG/AMP sequence variant interpretation guidelines (Richards et al. 2015 PMID: 25741868, with internal and published modifications).

NM_003737.4(DCHS1):c.2218+10C>T

Gene: DCHS1 (dachsous cadherin-related 1; minus strand). Cytogenetic location: 11p15.4.
Variant type: single nucleotide variant.
Coding change: c.2218+10C>T on transcript NM_003737.4 (MANE Select); 10 bases into the intron after coding-DNA position 2218, C replaced by T.
Molecular consequence: intron variant.
Genome position (GRCh38, 1-based): chr11:6,633,779, G>A on the plus strand (C>T on the coding strand, the complement: DCHS1 is on the minus strand). VCF-style: chr11-6633779-G-A. GRCh37 (hg19) VCF-style: chr11-6655010-G-A.
Identifiers: ClinVar variation 734158 (VCV000734158.9), dbSNP rs371184418, ClinGen allele CA5860788.